The following is an entry in ClinVar:

ClinVar aggregate classification (germline): Uncertain significance. Review status: criteria provided, multiple submitters, no conflicts (2 of 4 stars). 2 submissions from 2 submitters: Uncertain significance (2). Last evaluated 2024-05-15.

Conditions:
Inborn genetic diseases. Identifiers: MedGen C0950123, MeSH D030342.
Axenfeld-Rieger syndrome type 3 (RIEG3). Also called: AXENFELD-RIEGER ANOMALY WITH CARDIAC DEFECTS AND/OR SENSORINEURAL HEARING LOSS. Identifiers: Orphanet 782, MedGen C2678503, MONDO:0011233, OMIM 602482.

Allele frequency attached by ClinVar (database versions not stated): gnomAD exomes 0.00001.

Submissions (2):

Labcorp Genetics (formerly Invitae), Labcorp
Classification: Uncertain significance for Axenfeld-Rieger syndrome type 3. Last evaluated: 2024-05-15. Review status: criteria provided, single submitter. Criteria: Invitae Variant Classification Sherloc (09022015). Collection method: clinical testing. Allele origin: germline.
Comment: This sequence change replaces serine, which is neutral and polar, with threonine, which is neutral and polar, at codon 329 of the FOXC1 protein (p.Ser329Thr). This variant is present in population databases (rs748832697, gnomAD 0.008%). This variant has not been reported in the literature in individuals affected with FOXC1-related conditions. ClinVar contains an entry for this variant (Variation ID: 1423710). An algorithm developed to predict the effect of missense changes on protein structure and function (PolyPhen-2) suggests that this variant is likely to be tolerated. In summary, the available evidence is currently insufficient to determine the role of this variant in disease. Therefore, it has been classified as a Variant of Uncertain Significance.

Ambry Genetics
Classification: Uncertain significance for Inborn genetic diseases. Last evaluated: 2021-07-20. Review status: criteria provided, single submitter. Criteria: Ambry Variant Classification Scheme 2023. Collection method: clinical testing. Allele origin: germline.

NM_001453.3(FOXC1):c.986G>C (p.Ser329Thr)

Gene: FOXC1 (forkhead box C1; plus strand). Cytogenetic location: 6p25.3.
Variant type: single nucleotide variant.
Coding change: c.986G>C on transcript NM_001453.3 (MANE Select); coding-DNA position 986, G replaced by C.
Protein change: p.Ser329Thr; replaces serine 329 with threonine.
Molecular consequence: missense variant.
Genome position (GRCh38, 1-based): chr6:1,611,431, G>C. VCF-style: chr6-1611431-G-C. GRCh37 (hg19) VCF-style: chr6-1611666-G-C.
Other names: c.986G>C (NM_001453.2); short protein forms S329T.
Identifiers: ClinVar variation 1423710 (VCV001423710.7), dbSNP rs748832697, ClinGen allele CA3614844.